The following is an entry in ClinVar:

NM_001376013.1(EPB41):c.659_660del (p.Thr220fs)

Gene: EPB41 (erythrocyte membrane protein band 4.1; plus strand). Cytogenetic location: 1p35.3.
Variant type: Microsatellite.
Coding change: c.659_660del on transcript NM_001376013.1 (MANE Select); coding-DNA positions 659 to 660, 2 bases deleted (CA; older notation c.659_660delCA).
Protein change: p.Thr220fs; shifts the reading frame from threonine 220.
Molecular consequence: frameshift variant.
Genome position (GRCh38, 1-based): chr1:28,993,520-28,993,521, CA deleted; deleting any 2 consecutive bases within chr1:28,993,517-28,993,521 gives the same sequence; the c. name uses the placement nearest the transcript's 3' end. VCF-style (leftmost placement, unchanged base first): chr1-28993516-GAC-G. GRCh37 (hg19) VCF-style: chr1-29320028-GAC-G.
Other names: c.659_660del, p.Thr220fs (NM_001166005.2, NM_001166006.2, NM_001376014.1 and 8 more transcripts); c.32_33del, p.Thr11fs (NM_001166007.2, NM_001376022.1, NM_001376023.1 and 7 more transcripts); short protein forms T220fs, T11fs.
Identifiers: ClinVar variation 4728387 (VCV004728387.1).

ClinVar aggregate classification (germline): Pathogenic (1 of 4 stars; one submission).

Submission:

Labcorp Genetics (formerly Invitae), Labcorp
Classification: Pathogenic. Last evaluated: 2025-10-31. Review status: criteria provided, single submitter. Criteria: Invitae Variant Classification Sherloc (09022015). Collection method: clinical testing. Allele origin: germline.
Comment: This sequence change creates a premature translational stop signal (p.Thr11Serfs*3) in the EPB41 gene. It is expected to result in an absent or disrupted protein product. Loss-of-function variants in EPB41 are known to be pathogenic (PMID: 21839655, 27551681, 27667160, 33942936). This variant is not present in population databases (gnomAD no frequency). This variant has not been reported in the literature in individuals affected with EPB41-related conditions. Algorithms developed to predict the effect of sequence changes on RNA splicing suggest that this variant may disrupt the consensus splice site. For these reasons, this variant has been classified as Pathogenic.

Literature cited by the submitters: PubMed 21839655; PubMed 27551681; PubMed 27667160; PubMed 33942936.